The following is an entry in ClinVar:

NM_005120.3(MED12):c.5190G>C (p.Leu1730=)

Gene: MED12 (mediator complex subunit 12; plus strand). Cytogenetic location: Xq13.1.
Variant type: single nucleotide variant.
Coding change: c.5190G>C on transcript NM_005120.3 (MANE Select); coding-DNA position 5190, G replaced by C.
Protein change: p.Leu1730=; no amino-acid change (leucine 1730 retained).
Molecular consequence: synonymous variant.
Genome position (GRCh38, 1-based): chrX:71,136,445, G>C. VCF-style: chrX-71136445-G-C. GRCh37 (hg19) VCF-style: chrX-70356295-G-C.
Identifiers: ClinVar variation 387387 (VCV000387387.28), dbSNP rs753355369, ClinGen allele CA10444751.

ClinVar aggregate classification (germline): Benign/Likely benign. Review status: criteria provided, multiple submitters, no conflicts (2 of 4 stars). 5 submissions from 5 submitters: Benign (1); Likely benign (4). Last evaluated 2026-01-17.

Conditions:
FG syndrome (FGS). Identifiers: MedGen C0220769, MONDO:0002010.
Familial thoracic aortic aneurysm and aortic dissection (TAAD). Also called: Thoracic aortic aneurysms and dissections. Identifiers: Orphanet 91387, MedGen C4707243, MONDO:0019625.

Allele frequency attached by ClinVar (database versions not stated): ExAC 0.00001; TOPMed 0.00001; gnomAD exomes 0.00003 and 0.00004; gnomAD 0.00004.
gnomAD v4.1: 47 of 1,207,936 alleles (0.0039%); highest among the groups gnomAD compares: Non-Finnish European, 0.0049%; no homozygotes.

Submissions (5):

Labcorp Genetics (formerly Invitae), Labcorp
Classification: Benign for FG syndrome. Last evaluated: 2026-01-17. Review status: criteria provided, single submitter. Criteria: Invitae Variant Classification Sherloc (09022015). Collection method: clinical testing. Allele origin: germline.

CeGaT Center for Human Genetics Tuebingen
Classification: Likely benign. Last evaluated: 2024-11-01. Review status: criteria provided, single submitter. Criteria: CeGaT Center For Human Genetics Tuebingen Variant Classification Criteria Version 2. Collection method: clinical testing. Allele origin: germline. Affected: yes. Observed: 1 variant allele.
Comment: MED12: BP4, BP7, BS2

Blueprint Genetics
Classification: Likely benign. Last evaluated: 2023-10-02. Review status: criteria provided, single submitter. Criteria: ACMG Guidelines, 2015. Collection method: clinical testing. Allele origin: germline.

Ambry Genetics
Classification: Likely benign for Familial thoracic aortic aneurysm and aortic dissection. Last evaluated: 2022-04-06. Review status: criteria provided, single submitter. Criteria: Ambry Variant Classification Scheme 2023. Collection method: clinical testing. Allele origin: germline.

GeneDx
Classification: Likely benign. Last evaluated: 2018-08-17. Review status: criteria provided, single submitter. Criteria: GeneDx Variant Classification Process June 2021. Collection method: clinical testing. Allele origin: germline. Affected: yes.